The following is an entry in ClinVar:

NM_004260.4(RECQL4):c.1778C>G (p.Ala593Gly)

Gene: RECQL4 (RecQ like helicase 4; minus strand). Cytogenetic location: 8q24.3.
Variant type: single nucleotide variant.
Coding change: c.1778C>G on transcript NM_004260.4 (MANE Select); coding-DNA position 1778, C replaced by G.
Protein change: p.Ala593Gly; replaces alanine 593 with glycine.
Molecular consequence: missense variant.
Genome position (GRCh38, 1-based): chr8:144,514,289, G>C on the plus strand (C>G on the coding strand, the complement: RECQL4 is on the minus strand). VCF-style: chr8-144514289-G-C. GRCh37 (hg19) VCF-style: chr8-145739673-G-C.
Other names: short protein forms A593G.
Identifiers: ClinVar variation 459343 (VCV000459343.8), dbSNP rs1286553686, ClinGen allele CA372680968.

ClinVar aggregate classification (germline): Uncertain significance. Review status: criteria provided, multiple submitters, no conflicts (2 of 4 stars). 2 submissions from 2 submitters: Uncertain significance (2). Last evaluated 2025-08-08.

Conditions:
Inborn genetic diseases. Identifiers: MedGen C0950123, MeSH D030342.
Baller-Gerold syndrome (BGS). Also called: CRANIOSYNOSTOSIS WITH RADIAL DEFECTS. Identifiers: Orphanet 1225, MedGen C0265308, MONDO:0009039, OMIM 218600.

Submissions (2):

Ambry Genetics
Classification: Uncertain significance for Inborn genetic diseases. Last evaluated: 2025-08-08. Review status: criteria provided, single submitter. Criteria: Ambry Variant Classification Scheme 2023. Collection method: clinical testing. Allele origin: germline.
Comment: The p.A593G variant (also known as c.1778C>G), located in coding exon 11 of the RECQL4 gene, results from a C to G substitution at nucleotide position 1778. The alanine at codon 593 is replaced by glycine, an amino acid with similar properties. This amino acid position is conserved. In addition, this alteration is predicted to be tolerated by in silico analysis. Based on the available evidence, the clinical significance of this variant remains unclear.

Labcorp Genetics (formerly Invitae), Labcorp
Classification: Uncertain significance for Baller-Gerold syndrome. Last evaluated: 2022-02-20. Review status: criteria provided, single submitter. Criteria: Invitae Variant Classification Sherloc (09022015). Collection method: clinical testing. Allele origin: germline.
Comment: In summary, the available evidence is currently insufficient to determine the role of this variant in disease. Therefore, it has been classified as a Variant of Uncertain Significance. ClinVar contains an entry for this variant (Variation ID: 459343). This sequence change replaces alanine, which is neutral and non-polar, with glycine, which is neutral and non-polar, at codon 593 of the RECQL4 protein (p.Ala593Gly). This variant is not present in population databases (gnomAD no frequency). This variant has not been reported in the literature in individuals affected with RECQL4-related conditions.